The following is an entry in ClinVar:

ClinVar aggregate classification (germline): Uncertain significance (1 of 4 stars; one submission).

Conditions:
Symmetrical dyschromatosis of extremities (DSH). Also called: RETICULATE ACROPIGMENTATION OF DOHI; SYMMETRIC DYSCHROMATOSIS OF THE EXTREMITIES; DYSCHROMATOSIS SYMMETRICA HEREDITARIA 1; Dyschromatosis symmetrica hereditaria. Identifiers: Orphanet 41, MedGen C0406775, MONDO:0007483, OMIM 127400.
Aicardi-Goutieres syndrome 6 (AGS6). Identifiers: Orphanet 51, MedGen C3539013, MONDO:0014007, OMIM 615010.

gnomAD v4.1: 1 of 1,614,194 alleles (0.000062%); highest among the groups gnomAD compares: Non-Finnish European, 0.000085%; no homozygotes.

Submission:

Labcorp Genetics (formerly Invitae), Labcorp
Classification: Uncertain significance for Aicardi-Goutieres syndrome 6; Symmetrical dyschromatosis of extremities. Last evaluated: 2023-12-13. Review status: criteria provided, single submitter. Criteria: Invitae Variant Classification Sherloc (09022015). Collection method: clinical testing. Allele origin: germline.
Comment: This sequence change replaces alanine, which is neutral and non-polar, with threonine, which is neutral and polar, at codon 662 of the ADAR protein (p.Ala662Thr). This variant is not present in population databases (gnomAD no frequency). This variant has not been reported in the literature in individuals affected with ADAR-related conditions. Advanced modeling of protein sequence and biophysical properties (such as structural, functional, and spatial information, amino acid conservation, physicochemical variation, residue mobility, and thermodynamic stability) performed at Invitae indicates that this missense variant is not expected to disrupt ADAR protein function with a negative predictive value of 80%. In summary, the available evidence is currently insufficient to determine the role of this variant in disease. Therefore, it has been classified as a Variant of Uncertain Significance.

NM_001111.5(ADAR):c.1984G>A (p.Ala662Thr)

Gene: ADAR (adenosine deaminase RNA specific; minus strand). Cytogenetic location: 1q21.3.
Variant type: single nucleotide variant.
Coding change: c.1984G>A on transcript NM_001111.5 (MANE Select); coding-DNA position 1984, G replaced by A.
Protein change: p.Ala662Thr; replaces alanine 662 with threonine.
Molecular consequence: missense variant.
Genome position (GRCh38, 1-based): chr1:154,597,218, C>T on the plus strand (G>A on the coding strand, the complement: ADAR is on the minus strand). VCF-style: chr1-154597218-C-T. GRCh37 (hg19) VCF-style: chr1-154569694-C-T.
Other names: c.1099G>A, p.Ala367Thr (NM_001025107.3, NM_001193495.2, NM_001365046.1 and 3 more transcripts); c.2011G>A, p.Ala671Thr (NM_001365045.1); c.1984G>A, p.Ala662Thr (NM_015840.4, NM_015841.4); short protein forms A671T, A367T, A662T.
Identifiers: ClinVar variation 2939895 (VCV002939895.3), dbSNP rs1351260147, ClinGen allele CA342638289.